The following is an entry in ClinVar:

NM_152743.4(BRAT1):c.2291dup (p.Gly765fs)

Gene: BRAT1 (BRCA1 associated ATM activator 1; minus strand). Cytogenetic location: 7p22.3.
Variant type: Duplication.
Coding change: c.2291dup on transcript NM_152743.4 (MANE Select); coding-DNA position 2291, one base duplicated (C; older notation c.2291dupC).
Protein change: p.Gly765fs; shifts the reading frame from glycine 765.
Molecular consequence: frameshift variant. On other transcripts: non-coding transcript variant (1).
Genome position (GRCh38, 1-based): chr7:2,538,244, G duplicated on the plus strand (C on the coding strand, the reverse complement: BRAT1 is on the minus strand); the first of 5 consecutive G bases (chr7:2,538,244-2,538,248); duplicating any one gives the same sequence. VCF-style (leftmost placement, unchanged base first): chr7-2538243-T-TG. GRCh37 (hg19) VCF-style: chr7-2577877-T-TG.
Other names: c.2291dupC (NM_152743.3); c.2471dup, p.Gly825fs (NM_001350626.2); c.1766dup, p.Gly590fs (NM_001350627.2); short protein forms G765fs, G825fs, G590fs.
Identifiers: ClinVar variation 665862 (VCV000665862.14), dbSNP rs1463777746, ClinGen allele CA572357816.

ClinVar aggregate classification (germline): Pathogenic/Likely pathogenic. Review status: criteria provided, multiple submitters, no conflicts (2 of 4 stars). 5 submissions from 5 submitters: Pathogenic (2); Likely pathogenic (3). Last evaluated 2025-06-27.

Conditions:
Inborn genetic diseases. Identifiers: MedGen C0950123, MeSH D030342.
BRAT1-related disorder. Also called: BRAT1-related disorders; BRAT1-related condition.
Neonatal-onset encephalopathy with rigidity and seizures. Also called: Lethal neonatal spasticity-epileptic encephalopathy syndrome. Identifiers: Orphanet 435845, MedGen C3281029, MONDO:0013784, OMIM 614498.

Submissions (5):

Labcorp Genetics (formerly Invitae), Labcorp
Classification: Pathogenic for Neonatal-onset encephalopathy with rigidity and seizures. Last evaluated: 2025-06-27. Review status: criteria provided, single submitter. Criteria: Invitae Variant Classification Sherloc (09022015). Collection method: clinical testing. Allele origin: germline.
Comment: This sequence change creates a premature translational stop signal (p.Gly765Argfs*6) in the BRAT1 gene. While this is not anticipated to result in nonsense mediated decay, it is expected to disrupt the last 57 amino acid(s) of the BRAT1 protein. This variant is present in population databases (no rsID available, gnomAD 0.003%). This premature translational stop signal has been observed in individual(s) with clinical features of BRAT1-related conditions (PMID: 32565546; internal data). In at least one individual the data is consistent with being in trans (on the opposite chromosome) from a pathogenic variant. This variant is also known as p.Gly824Argfs*6. ClinVar contains an entry for this variant (Variation ID: 665862). This variant disrupts a region of the BRAT1 protein in which other variant(s) (p.Leu776Pro) have been observed in individuals with BRAT1-related conditions (internal data). This suggests that this is a clinically significant region of the protein, and that variants that disrupt it are likely to be disease-causing. For these reasons, this variant has been classified as Pathogenic.

Ambry Genetics
Classification: Likely pathogenic for Inborn genetic diseases. Last evaluated: 2024-08-26. Review status: criteria provided, single submitter. Criteria: Ambry Variant Classification Scheme 2023. Collection method: clinical testing. Allele origin: germline.
Comment: The c.2291dupC (p.G765Rfs*6) alteration, located in exon 14 (coding exon 13) of the BRAT1 gene, consists of a duplication of one nucleotide at position 2291, causing a translational frameshift with a predicted alternate stop codon after 6 amino acids. This alteration occurs at the 3' terminus of the BRAT1 gene, is not expected to trigger nonsense-mediated mRNA decay, and impacts the last 57 amino acids of the protein. Premature stop codons are typically deleterious in nature and a significant portion of the protein is affected (Ambry internal data). Based on data from gnomAD, the c.2291dupC allele has an overall frequency of 0.002% (4/272314) total alleles studied. The highest observed frequency was 0.003% (4/122942) of European (non-Finnish) alleles. This variant has been identified in the homozygous state and/or in conjunction with other BRAT1 variants in individuals with features consistent with BRAT1-related neurodevelopmental disorder (Heide, 2020; external communication). Based on the available evidence, this alteration is classified as likely pathogenic.

GeneDx
Classification: Pathogenic. Last evaluated: 2024-08-08. Review status: criteria provided, single submitter. Criteria: GeneDx Variant Classification Process June 2021. Collection method: clinical testing. Allele origin: germline. Affected: yes.
Comment: Frameshift variant predicted to result in abnormal protein length as the last 57 amino acids are replaced with 5 different amino acids, and other similar variants have been reported in HGMD; Not observed at significant frequency in large population cohorts (gnomAD); This variant is associated with the following publications: (PMID: 32565546)

Greenwood Genetic Center Diagnostic Laboratories, Greenwood Genetic Center
Classification: Likely pathogenic for BRAT1-related disorder. Last evaluated: 2024-07-25. Review status: criteria provided, single submitter. Criteria: ACMG Guidelines, 2015. Collection method: clinical testing. Allele origin: germline. Affected: yes.
Comment: PVS1_Moderate, PM1, PM2, PM3_Supporting

PreventionGenetics, part of Exact Sciences
Classification: Likely pathogenic for BRAT1-related condition. Last evaluated: 2023-02-24. Review status: criteria provided, single submitter. Criteria: ACMG Guidelines, 2015. Collection method: clinical testing. Allele origin: germline.
Comment: The BRAT1 c.2291dupC variant is predicted to result in a frameshift and premature protein termination (p.Gly765Argfs*6). This variant was reported in the homozygous state in a patient with rigidity and multifocal seizure syndrome (described as c.2471dup, Heide et al. 2020. PubMed ID: 32565546). This variant is reported in 0.0033% of alleles in individuals of European (Non-Finnish) descent in gnomAD. Frameshift variants in BRAT1 are expected to be pathogenic. This variant is interpreted as likely pathogenic.

Literature cited by the submitters: PubMed 32565546 (cited by Labcorp Genetics (formerly Invitae), Labcorp and Ambry Genetics).